The following is an entry in ClinVar:

NM_006269.2(RP1):c.449C>T (p.Pro150Leu)

Gene: RP1 (RP1 axonemal microtubule associated; plus strand). Cytogenetic location: 8q12.1.
Variant type: single nucleotide variant.
Coding change: c.449C>T on transcript NM_006269.2 (MANE Select); coding-DNA position 449, C replaced by T.
Protein change: p.Pro150Leu; replaces proline 150 with leucine.
Molecular consequence: missense variant.
Genome position (GRCh38, 1-based): chr8:54,621,415, C>T. VCF-style: chr8-54621415-C-T. GRCh37 (hg19) VCF-style: chr8-55533975-C-T.
Other names: c.449C>T, p.Pro150Leu (NM_001375654.1); short protein forms P150L.
Identifiers: ClinVar variation 4990058 (VCV004990058.1).

ClinVar aggregate classification (germline): Uncertain significance (1 of 4 stars; one submission).

Conditions:
RP1-related disorder. Also called: RP1-related condition.

gnomAD v4.1: 5 of 1,613,450 alleles (0.00031%); highest among the groups gnomAD compares: Non-Finnish European, 0.00042%; no homozygotes.

Submission:

PreventionGenetics, part of Exact Sciences
Classification: Uncertain significance for RP1-related condition. Last evaluated: 2026-06-10. Review status: criteria provided, single submitter. Criteria: ACMG Guidelines, 2015. Collection method: clinical testing. Allele origin: germline.
Comment: The RP1 c.449C>T variant is predicted to result in the amino acid substitution p.Pro150Leu. To our knowledge, this variant has not been reported in the literature. This variant is reported in 0.0018% of alleles in individuals of European (Non-Finnish) descent in gnomAD. At this time, the clinical significance of this variant is uncertain due to the absence of conclusive functional and genetic evidence.